The following is an entry in ClinVar:

NM_000492.4(CFTR):c.2994del (p.Leu998fs)

Genes: CFTR (CF transmembrane conductance regulator; plus strand), CFTR-AS2 (CFTR antisense RNA 2; minus strand), LOC111674472 (DNase I hypersensitive sites in introns 16 and 17a of CFTR; plus strand). Cytogenetic location: 7q31.2.
Variant type: Deletion.
Coding change: c.2994del on transcript NM_000492.4 (MANE Select); coding-DNA position 2994, one base deleted (A; older notation c.2994delA).
Protein change: p.Leu998fs; shifts the reading frame from leucine 998.
Molecular consequence: frameshift variant.
Genome position (GRCh38, 1-based): chr7:117,610,524, A deleted. VCF-style (leftmost placement, unchanged base first): chr7-117610523-TA-T. GRCh37 (hg19) VCF-style: chr7-117250577-TA-T.
Other names: short protein forms L998fs.
Identifiers: ClinVar variation 1450404 (VCV001450404.8), dbSNP rs749963273, ClinGen allele CA4451360.
Genomic context (GRCh38, chr7:117,610,523, plus strand): 5'-TCCACTTTGCAATGTGAAAATGTTTACTCACCAACATGTTTTCTTTGATCTTACAGTTGT[TA>T]TTAATTGTGATTGGAGCTATAGCAGTTGTCGCAGTTTTACAACCCTACATCTTTGTTGCA-3'

ClinVar aggregate classification (germline): Pathogenic. Review status: criteria provided, multiple submitters, no conflicts (2 of 4 stars). 2 submissions from 2 submitters: Pathogenic (2). Last evaluated 2025-08-05.

Conditions:
Cystic fibrosis (CF). Also called: MUCOVISCIDOSIS. Identifiers: Orphanet 586, MedGen C0010674, MONDO:0009061, OMIM 219700. Disease mechanism: loss of function.

Allele frequency attached by ClinVar (database versions not stated): gnomAD exomes below 0.00001; ExAC 0.00001.

Submissions (2):

Labcorp Genetics (formerly Invitae), Labcorp
Classification: Pathogenic for Cystic fibrosis. Last evaluated: 2025-08-05. Review status: criteria provided, single submitter. Criteria: Invitae Variant Classification Sherloc (09022015). Collection method: clinical testing. Allele origin: germline.
Comment: This sequence change creates a premature translational stop signal (p.Leu998Phefs*2) in the CFTR gene. It is expected to result in an absent or disrupted protein product. Loss-of-function variants in CFTR are known to be pathogenic (PMID: 1695717, 7691345, 9725922). This variant is present in population databases (rs749963273, gnomAD 0.003%). This premature translational stop signal has been observed in individual(s) with cystic fibrosis (PMID: 38966678). ClinVar contains an entry for this variant (Variation ID: 1450404). For these reasons, this variant has been classified as Pathogenic.

Diagnostics Services (NGS), CSIR - Centre For Cellular And Molecular Biology
Classification: Pathogenic for Cystic fibrosis. Last evaluated: 2022-11-11. Review status: criteria provided, single submitter. Criteria: ACMG Guidelines, 2015. Collection method: clinical testing. Allele origin: unknown. Affected: no. Observed: 2 variant alleles, 1 heterozygote.

Literature cited by the submitters: PubMed 1695717 (cited by Labcorp Genetics (formerly Invitae), Labcorp); PubMed 7691345 (cited by Labcorp Genetics (formerly Invitae), Labcorp); PubMed 9725922 (cited by Labcorp Genetics (formerly Invitae), Labcorp); PubMed 38966678 (cited by Labcorp Genetics (formerly Invitae), Labcorp).